The following is an entry in ClinVar:

NM_000238.4(KCNH2):c.2398+5G>A

Gene: KCNH2 (potassium voltage-gated channel subfamily H member 2; minus strand). Cytogenetic location: 7q36.1.
Variant type: single nucleotide variant.
Coding change: c.2398+5G>A on transcript NM_000238.4 (MANE Select); 5 bases into the intron after coding-DNA position 2398, G replaced by A.
Molecular consequence: intron variant. On other transcripts: missense variant (5).
Genome position (GRCh38, 1-based): chr7:150,950,163, C>T on the plus strand (G>A on the coding strand, the complement: KCNH2 is on the minus strand). VCF-style: chr7-150950163-C-T. GRCh37 (hg19) VCF-style: chr7-150647251-C-T.
Other names: c.1383G>A, p.Met461Ile (NM_001204798.2); c.2226G>A, p.Met742Ile (NM_001406755.1); c.2115G>A, p.Met705Ile (NM_001406756.1); c.2103G>A, p.Met701Ile (NM_001406757.1); c.2403G>A, p.Met801Ile (NM_172056.3); c.1378+5G>A (NM_172057.3); short protein forms M461I, M701I, M705I, M742I, M801I.
Identifiers: ClinVar variation 1713142 (VCV001713142.2), dbSNP rs1554425149, ClinGen allele CA369855971.

ClinVar aggregate classification (germline): Likely pathogenic (1 of 4 stars; one submission).

Conditions:
Long QT syndrome 2 (LQT2). Identifiers: Orphanet 101016, Orphanet 768, MedGen C3150943, MONDO:0013367, OMIM 613688.

Submission:

Roden Lab, Vanderbilt University Medical Center
Classification: Likely pathogenic for Long QT syndrome 2. Last evaluated: 2022-10-05. Review status: criteria provided, single submitter. Criteria: ACMG Guidelines, 2015. Collection method: research, in vitro. Allele origin: unknown, not applicable. Functional consequence: sequence_variant_affecting_splicing.
Comment: The KCNH2 variant c.2398+5G>T was observed in 2 cases of LQTS and is absent from large population databases (PMID: 32893267). Splicing predictions were inconclusive for this variant. Minigene functional studies revealed aberrant splicing in the presence of this alternative allele. Collectively, this evidence supports a Likely Pathogenic classification.

Literature cited by the submitters: PubMed 36197721.